The following is an entry in ClinVar:

NM_018012.4(KIF26B):c.2906C>T (p.Ala969Val)

Gene: KIF26B (kinesin family member 26B; plus strand). Cytogenetic location: 1q44.
Variant type: single nucleotide variant.
Coding change: c.2906C>T on transcript NM_018012.4 (MANE Select); coding-DNA position 2906, C replaced by T.
Protein change: p.Ala969Val; replaces alanine 969 with valine.
Molecular consequence: missense variant.
Genome position (GRCh38, 1-based): chr1:245,685,889, C>T. VCF-style: chr1-245685889-C-T. GRCh37 (hg19) VCF-style: chr1-245849191-C-T.
Other names: short protein forms A969V.
Identifiers: ClinVar variation 780096 (VCV000780096.6), dbSNP rs148590058, ClinGen allele CA1488118.

ClinVar aggregate classification (germline): Benign. Review status: criteria provided, multiple submitters, no conflicts (2 of 4 stars). 3 submissions from 3 submitters: Benign (2). 1 of the submissions does not count toward it. Last evaluated 2018-05-21.

Conditions:
KIF26B-related disorder. Also called: KIF26B-related condition.

Allele frequency attached by ClinVar (database versions not stated): 1000 Genomes Project 0.00479; 1000 Genomes Project 30x 0.00547; TOPMed 0.00796; ESP Exome Variant Server 0.00838.
gnomAD v4.1: 17,609 of 1,612,694 alleles (1.1%); highest among the groups gnomAD compares: Non-Finnish European, 1.3%; 115 homozygotes.

Submissions (3):

Labcorp Genetics (formerly Invitae), Labcorp
Classification: Benign. Last evaluated: 2018-05-21. Review status: criteria provided, single submitter. Criteria: Invitae Variant Classification Sherloc (09022015). Collection method: clinical testing. Allele origin: germline.

Breakthrough Genomics
Classification: Benign. Review status: criteria provided, single submitter. Criteria: ACMG Guidelines, 2015. Collection method: not provided. Allele origin: germline. Inheritance: Unknown mechanism. Affected: yes.

PreventionGenetics, part of Exact Sciences
Classification: Benign for KIF26B-related condition. Last evaluated: 2019-05-29. Review status: no assertion criteria provided. Collection method: clinical testing. Allele origin: germline. Not counted in ClinVar's aggregate classification.
Comment: This variant is classified as benign based on ACMG/AMP sequence variant interpretation guidelines (Richards et al. 2015 PMID: 25741868, with internal and published modifications).